The following is an entry in ClinVar:

ClinVar aggregate classification (germline): Pathogenic (1 of 4 stars; one submission).

Conditions:
Inborn genetic diseases. Identifiers: MedGen C0950123, MeSH D030342.

Submission:

Ambry Genetics
Classification: Pathogenic for Inborn genetic diseases. Last evaluated: 2020-01-07. Review status: criteria provided, single submitter. Criteria: Ambry Variant Classification Scheme 2023. Collection method: clinical testing. Allele origin: germline.
Comment: The alteration results in a premature stop codon: _x000D_ _x000D_ The c.3023_3024delAA (p.K1008Rfs*5) alteration, located in exon 7 (coding exon 6) of the PRG4 gene, results from a deletion of 2 nucleotides from position 3023 to 3024, causing a translational frameshift with a predicted alternate stop codon after 5 amino acids. This alteration is expected to result in loss of function by premature protein truncation or nonsense-mediated mRNA decay. The alteration is rare in population databases: _x000D_ _x000D_ Based on data from the Genome Aggregation Database (gnomAD), the c.3023_3024delAA alteration was observed in 0.0007% (2/282,492) of total alleles studied. Based on the available evidence, this alteration is classified as pathogenic.

NM_005807.6(PRG4):c.3023_3024del (p.Lys1008fs)

Gene: PRG4 (proteoglycan 4; plus strand). Cytogenetic location: 1q31.1.
Variant type: Deletion.
Coding change: c.3023_3024del on transcript NM_005807.6 (MANE Select); coding-DNA positions 3023 to 3024, 2 bases deleted (AA; older notation c.3023_3024delAA).
Protein change: p.Lys1008fs; shifts the reading frame from lysine 1008.
Molecular consequence: frameshift variant.
Genome position (GRCh38, 1-based): chr1:186,308,742-186,308,743, AA deleted; deleting any 2 consecutive bases within chr1:186,308,740-186,308,743 gives the same sequence; the c. name uses the placement nearest the transcript's 3' end. VCF-style (leftmost placement, unchanged base first): chr1-186308739-CAA-C. GRCh37 (hg19) VCF-style: chr1-186277871-CAA-C.
Other names: c.2900_2901del, p.Lys967fs (NM_001127708.3); c.2744_2745del, p.Lys915fs (NM_001127709.3); c.2621_2622del, p.Lys874fs (NM_001127710.3); c.2894_2895del, p.Lys965fs (NM_001303232.2); short protein forms K1008fs, K874fs, K915fs, K965fs, K967fs.
Identifiers: ClinVar variation 986018 (VCV000986018.4), dbSNP rs745371972, ClinGen allele CA1296534.